The following is an entry in ClinVar:

ClinVar aggregate classification (germline): Likely pathogenic. Review status: criteria provided, single submitter (1 of 4 stars). 2 submissions from 2 submitters: Likely pathogenic (1). 1 of the submissions does not count toward it. Last evaluated 2016-11-16.

Conditions:
SCN2A-related disorder. Also called: SCN2A-related condition; SCN2A-related disorders. Identifiers: MedGen CN382226, MONDO:1060245.
Focal epilepsy. Also called: partial epilepsy. Identifiers: MedGen C0014547, MeSH D004828, MONDO:0005384.

Submissions (2):

Neurogenetics Laboratory - MEYER, AOU Meyer
Classification: Likely pathogenic for Focal epilepsy. Last evaluated: 2016-11-16. Review status: criteria provided, single submitter. Criteria: ACMG Guidelines, 2015. Collection method: clinical testing. Allele origin: de novo. Affected: yes. Observed: 1 heterozygote.

PreventionGenetics, part of Exact Sciences
Classification: Likely pathogenic for SCN2A-related condition. Last evaluated: 2024-02-19. Review status: no assertion criteria provided. Collection method: clinical testing. Allele origin: germline. Not counted in ClinVar's aggregate classification.
Comment: The SCN2A c.571T>G variant is predicted to result in the amino acid substitution p.Trp191Gly. This variant was reported de novo in an individual with focal epilepsy, drug-resistant (Parrini et al. 2017. PubMed ID: 27864847). This variant has not been reported in a large population database, indicating this variant is rare. An alternate nucleotide change affecting the same amino acid (p.Trp191Cys), has been reported in an individual with SCN2A-associated disease (Su et al. 2018. PubMed ID: 29625812). This variant is interpreted as likely pathogenic.

NM_001040142.2(SCN2A):c.571T>G (p.Trp191Gly)

Gene: SCN2A (sodium voltage-gated channel alpha subunit 2; plus strand). Cytogenetic location: 2q24.3.
Variant type: single nucleotide variant.
Coding change: c.571T>G on transcript NM_001040142.2 (MANE Select); coding-DNA position 571, T replaced by G.
Protein change: p.Trp191Gly; replaces tryptophan 191 with glycine.
Molecular consequence: missense variant.
Genome position (GRCh38, 1-based): chr2:165,308,760, T>G. VCF-style: chr2-165308760-T-G. GRCh37 (hg19) VCF-style: chr2-166165270-T-G.
Other names: c.571T>G, p.Trp191Gly (NM_001040143.2, NM_001371246.1, NM_001371247.1 and 1 more transcripts); short protein forms W191G.
Identifiers: ClinVar variation 375507 (VCV000375507.3), dbSNP rs1057519525, ClinGen allele CA16044305.